The following is an entry in ClinVar:

NM_019023.5(PRMT7):c.1763C>T (p.Pro588Leu)

Gene: PRMT7 (protein arginine methyltransferase 7; plus strand). Cytogenetic location: 16q22.1.
Variant type: single nucleotide variant.
Coding change: c.1763C>T on transcript NM_019023.5 (MANE Select); coding-DNA position 1763, C replaced by T.
Protein change: p.Pro588Leu; replaces proline 588 with leucine.
Molecular consequence: missense variant. On other transcripts: non-coding transcript variant (12).
Genome position (GRCh38, 1-based): chr16:68,355,835, C>T. VCF-style: chr16-68355835-C-T. GRCh37 (hg19) VCF-style: chr16-68389738-C-T.
Other names: c.1613C>T, p.Pro538Leu (NM_001184824.4); c.1763C>T, p.Pro588Leu (NM_001290018.2, NM_001351143.3, NM_001378018.1); c.1766C>T, p.Pro589Leu (NM_001351144.3); c.1556C>T, p.Pro519Leu (NM_001378020.1); c.1526C>T, p.Pro509Leu (NM_001378021.1, NM_001378022.1, NM_001378023.1); c.1763C>T (NM_019023.2); short protein forms P509L, P519L, P589L, P538L, P588L.
Identifiers: ClinVar variation 1986463 (VCV001986463.6), dbSNP rs370795284, ClinGen allele CA8127626.
Genomic context (GRCh38, chr16:68,355,835, plus strand): 5'-AGTACCCATGCCGCAGCCTCTCCGAGCCCTGGCAGATCCTGACCTTTGACTTCCAGCAGC[C>T]GGTGCCCCTGCAGCCCCTGTGTGCCGAGGGCACCGTGGAGCTCAGAAGGTGGGTGCAGAG-3'
Protein context (NP_061896.1, residues 578-598): WQILTFDFQQ[Pro588Leu]VPLQPLCAEG

ClinVar aggregate classification (germline): Conflicting classifications of pathogenicity. Review status: criteria provided, conflicting classifications (1 of 4 stars). 2 submissions from 2 submitters: Uncertain significance (1); Likely benign (1). Last evaluated 2023-02-10.

Conditions:
Inborn genetic diseases. Identifiers: MedGen C0950123, MeSH D030342.

Allele frequency attached by ClinVar (database versions not stated): gnomAD 0.00001; gnomAD exomes 0.00001; TOPMed 0.00001; ExAC 0.00003; 1000 Genomes Project 30x 0.00016; 1000 Genomes Project 0.00020.
gnomAD v4.1: 24 of 1,609,740 alleles (0.0015%); highest among the groups gnomAD compares: Middle Eastern, 0.033%; no homozygotes.

Submissions (2):

Ambry Genetics
Classification: Likely benign for Inborn genetic diseases. Last evaluated: 2023-02-10. Review status: criteria provided, single submitter. Criteria: Ambry Variant Classification Scheme 2023. Collection method: clinical testing. Allele origin: germline.

Labcorp Genetics (formerly Invitae), Labcorp
Classification: Uncertain significance. Last evaluated: 2022-12-02. Review status: criteria provided, single submitter. Criteria: Invitae Variant Classification Sherloc (09022015). Collection method: clinical testing. Allele origin: germline.
Comment: In summary, the available evidence is currently insufficient to determine the role of this variant in disease. Therefore, it has been classified as a Variant of Uncertain Significance. Advanced modeling of protein sequence and biophysical properties (such as structural, functional, and spatial information, amino acid conservation, physicochemical variation, residue mobility, and thermodynamic stability) performed at Invitae indicates that this missense variant is not expected to disrupt PRMT7 protein function. This variant has not been reported in the literature in individuals affected with PRMT7-related conditions. This variant is present in population databases (rs370795284, gnomAD 0.009%). This sequence change replaces proline, which is neutral and non-polar, with leucine, which is neutral and non-polar, at codon 588 of the PRMT7 protein (p.Pro588Leu).